The following is an entry in ClinVar:

ClinVar aggregate classification (germline): Uncertain significance (1 of 4 stars; one submission).

Conditions:
Neuromuscular disease caused by qualitative or quantitative defects of dysferlin. Also called: Dysferlinopathy; Qualitative or quantitative defects of dysferlin. Identifiers: Orphanet 207073, MedGen C2931687, MONDO:0016145.

Submission:

Labcorp Genetics (formerly Invitae), Labcorp
Classification: Uncertain significance for Neuromuscular disease caused by qualitative or quantitative defects of dysferlin. Last evaluated: 2022-10-13. Review status: criteria provided, single submitter. Criteria: Invitae Variant Classification Sherloc (09022015). Collection method: clinical testing. Allele origin: germline.
Comment: In summary, the available evidence is currently insufficient to determine the role of this variant in disease. Therefore, it has been classified as a Variant of Uncertain Significance. Advanced modeling of protein sequence and biophysical properties (such as structural, functional, and spatial information, amino acid conservation, physicochemical variation, residue mobility, and thermodynamic stability) performed at Invitae indicates that this missense variant is not expected to disrupt DYSF protein function. ClinVar contains an entry for this variant (Variation ID: 1477580). This variant has not been reported in the literature in individuals affected with DYSF-related conditions. This variant is not present in population databases (gnomAD no frequency). This sequence change replaces alanine, which is neutral and non-polar, with valine, which is neutral and non-polar, at codon 375 of the DYSF protein (p.Ala375Val).

NM_001130987.2(DYSF):c.1220C>T (p.Ala407Val)

Gene: DYSF (dysferlin; plus strand). Cytogenetic location: 2p13.2.
Variant type: single nucleotide variant.
Coding change: c.1220C>T on transcript NM_001130987.2 (MANE Select); coding-DNA position 1220, C replaced by T.
Protein change: p.Ala407Val; replaces alanine 407 with valine.
Molecular consequence: missense variant.
Genome position (GRCh38, 1-based): chr2:71,526,290, C>T. VCF-style: chr2-71526290-C-T. GRCh37 (hg19) VCF-style: chr2-71753420-C-T.
Other names: c.1124C>T, p.Ala375Val (NM_001130977.2, NM_001130978.2, NM_003494.4 and 1 more transcripts); c.1217C>T, p.Ala406Val (NM_001130979.2, NM_001130980.2, NM_001130981.2); c.1220C>T, p.Ala407Val (NM_001130982.2, NM_001130985.2); c.1127C>T, p.Ala376Val (NM_001130983.2, NM_001130984.2, NM_001130986.2 and 1 more transcripts); short protein forms A375V, A406V, A407V, A376V.
Identifiers: ClinVar variation 1477580 (VCV001477580.7), dbSNP rs2087892446, ClinGen allele CA347213340.